The following is an entry in ClinVar:

ClinVar aggregate classification (germline): Uncertain significance. Review status: criteria provided, multiple submitters, no conflicts (2 of 4 stars). 2 submissions from 2 submitters: Uncertain significance (2). Last evaluated 2024-03-13.

Conditions:
Choanal atresia-athelia-hypothyroidism-delayed puberty-short stature syndrome (BCAHH). Also called: BRANCHIAL ARCH ABNORMALITIES, CHOANAL ATRESIA, ATHELIA, HEARING LOSS, AND HYPOTHYROIDISM SYNDROME. Identifiers: Orphanet 589856, MedGen C5680310, MONDO:0035651, OMIM 620186.
Kabuki syndrome 1 (KABUK1). Also called: KMT2D-Related Kabuki Syndrome. Identifiers: Orphanet 2322, MedGen CN030661, MONDO:0007843, OMIM 147920.
Kabuki syndrome. Also called: NIIKAWA-KUROKI SYNDROME; Kabuki make-up syndrome. Identifiers: Orphanet 2322, MedGen C0796004, MONDO:0016512.

Allele frequency attached by ClinVar (database versions not stated): gnomAD exomes below 0.00001; ExAC 0.00001.

Submissions (2):

Fulgent Genetics
Classification: Uncertain significance for Kabuki syndrome 1; Choanal atresia-athelia-hypothyroidism-delayed puberty-short stature syndrome. Last evaluated: 2024-03-13. Review status: criteria provided, single submitter. Criteria: ACMG Guidelines, 2015. Collection method: clinical testing. Allele origin: germline.

Labcorp Genetics (formerly Invitae), Labcorp
Classification: Uncertain significance for Kabuki syndrome. Last evaluated: 2020-02-03. Review status: criteria provided, single submitter. Criteria: Invitae Variant Classification Sherloc (09022015). Collection method: clinical testing. Allele origin: germline.
Comment: In summary, the available evidence is currently insufficient to determine the role of this variant in disease. Therefore, it has been classified as a Variant of Uncertain Significance. Algorithms developed to predict the effect of missense changes on protein structure and function are either unavailable or do not agree on the potential impact of this missense change (SIFT: "Deleterious"; PolyPhen-2: "Not Available"; Align-GVGD: "Class C0"). This variant has not been reported in the literature in individuals with KMT2D-related conditions. The frequency data for this variant in the population databases is considered unreliable, as metrics indicate poor data quality at this position in the ExAC database. This sequence change replaces glycine with arginine at codon 5075 of the KMT2D protein (p.Gly5075Arg). The glycine residue is highly conserved and there is a moderate physicochemical difference between glycine and arginine.

NM_003482.4(KMT2D):c.15223G>A (p.Gly5075Arg)

Gene: KMT2D (lysine methyltransferase 2D; minus strand). Cytogenetic location: 12q13.12.
Variant type: single nucleotide variant.
Coding change: c.15223G>A on transcript NM_003482.4 (MANE Select); coding-DNA position 15223, G replaced by A.
Protein change: p.Gly5075Arg; replaces glycine 5075 with arginine.
Molecular consequence: missense variant.
Genome position (GRCh38, 1-based): chr12:49,026,743, C>T on the plus strand (G>A on the coding strand, the complement: KMT2D is on the minus strand). VCF-style: chr12-49026743-C-T. GRCh37 (hg19) VCF-style: chr12-49420526-C-T.
Other names: short protein forms G5075R.
Identifiers: ClinVar variation 1017359 (VCV001017359.11), dbSNP rs764161037, ClinGen allele CA6545588.